The following is an entry in ClinVar:

NM_001320752.2(STS):c.806+1G>A

Gene: STS (steroid sulfatase; plus strand). Cytogenetic location: Xp22.31.
Variant type: single nucleotide variant.
Coding change: c.806+1G>A on transcript NM_001320752.2 (MANE Select); the canonical splice donor site of the intron after coding-DNA position 806, G replaced by A.
Molecular consequence: splice donor variant.
Genome position (GRCh38, 1-based): chrX:7,259,773, G>A. VCF-style: chrX-7259773-G-A. GRCh37 (hg19) VCF-style: chrX-7177814-G-A.
Other names: c.842+1G>A (NM_001320750.3, NM_001320751.2); c.806+1G>A (NM_000351.7, NM_001320753.2, NM_001320754.2).
Identifiers: ClinVar variation 3383027 (VCV003383027.2).
Genomic context (GRCh38, chrX:7,259,773, plus strand): 5'-CATGTCCTATGACAATCTCACCCAGAGGCTAACGGTGGAGGCGGCCCAGTTCATACAGCG[G>A]TGGGTATTGCCTTGTCCTCTGATGCTGCCTGTTAAAAAACATTCTGGGTTATTTCTCGTG-3'

ClinVar aggregate classification (germline): Pathogenic (1 of 4 stars; one submission).

Conditions:
X-linked ichthyosis with steryl-sulfatase deficiency (XLI). Also called: Ichthyosis, X-Linked; PLACENTAL STEROID SULFATASE DEFICIENCY; STEROID SULFATASE DEFICIENCY; STEROID SULFATASE DEFICIENCY DISEASE; STS DEFICIENCY; Recessive X-linked ichthyosis. Identifiers: Orphanet 461, MedGen C0079588, MONDO:0010622, OMIM 308100.

Submission:

Juno Genomics, Hangzhou Juno Genomics, Inc
Classification: Pathogenic for X-linked ichthyosis with steryl-sulfatase deficiency. Review status: criteria provided, single submitter. Criteria: ACMG Guidelines, 2015. Collection method: clinical testing. Allele origin: germline. Affected: yes.
Comment: Null variant in a gene where loss of function (LOF) is a known mechanism of disease.;Absent from controls (or at extremely low frequency if recessive) in Genome Aggregation Database, Exome Sequencing Project, 1000 Genomes Project, or Exome Aggregation Consortium.;Patient's phenotype or family history is highly specific for a disease with a single genetic etiology.